The following is an entry in ClinVar:

ClinVar aggregate classification (germline): Pathogenic (1 of 4 stars; one submission).

Conditions:
Granulomatous disease, chronic, X-linked. Also called: CYTOCHROME b-NEGATIVE GRANULOMATOUS DISEASE, CHRONIC, X-LINKED; GRANULOMATOUS DISEASE, CHRONIC, X-LINKED, SOMATIC MOSAIC. Identifiers: Orphanet 379, MedGen C1844376, MONDO:0010600, OMIM 306400.

Submission:

Laboratory of Molecular Biology, Dmitry Rogachev National Medical Center of Pediatric Hematology, Oncology and Immunology
Classification: Pathogenic for Granulomatous disease, chronic, X-linked. Last evaluated: 2026-10-08. Review status: criteria provided, single submitter. Criteria: ACMG Guidelines, 2015. Collection method: clinical testing. Allele origin: maternal. Inheritance: X-linked recessive inheritance. Affected: yes. Observed: 1 variant allele, 1 hemizygote.
Comment: CYBB (NM_000397.4):c.483G>C affects the last nucleotide of exon 5 and results in exon 5 skipping, a frameshift and a premature termination codon (p.Ala113GlufsTer3). Classified as Pathogenic using PVS1, PS3 and PM2_Supporting (13 points per Tavtigian et al. 2020, PMID 32720330). Absent from population databases.

Literature cited by the submitters: PubMed 32720330.

NM_000397.4(CYBB):c.483G>C (p.Lys161Asn)

Gene: CYBB (cytochrome b-245 beta chain; plus strand). Cytogenetic location: Xp21.1.
Variant type: single nucleotide variant.
Coding change: c.483G>C on transcript NM_000397.4 (MANE Select); coding-DNA position 483, G replaced by C.
Protein change: p.Lys161Asn; replaces lysine 161 with asparagine.
Molecular consequence: missense variant.
Genome position (GRCh38, 1-based): chrX:37,793,810, G>C. VCF-style: chrX-37793810-G-C. GRCh37 (hg19) VCF-style: chrX-37653063-G-C.
Other names: short protein forms K161N.
Identifiers: ClinVar variation 5018493 (VCV005018493.1).